The following is an entry in ClinVar:

ClinVar aggregate classification (germline): Conflicting classifications of pathogenicity. Review status: criteria provided, conflicting classifications (1 of 4 stars). 10 submissions from 10 submitters: Uncertain significance (7); Likely benign (2). 1 of the submissions does not count toward it. Last evaluated 2026-07-07.

Conditions:
LRP2-related disorder. Also called: LRP2-related condition.
Donnai-Barrow syndrome. Also called: FACIOOCULOACOUSTICORENAL SYNDROME; DBS/FOAR SYNDROME. Identifiers: Orphanet 2143, MedGen C1857277, MONDO:0009104, OMIM 222448.
Intellectual disability. Also called: Intellectual developmental disorder; Intellectual functioning disability; intellectual disabilities. Identifiers: MedGen C3714756, MeSH D008607, MONDO:0001071, HP:0001249.

Allele frequency attached by ClinVar (database versions not stated): TOPMed 0.00012; gnomAD exomes 0.00013 and 0.00017; gnomAD 0.00015 and 0.00017; ExAC 0.00016; 1000 Genomes Project 0.00040; 1000 Genomes Project 30x 0.00062.
gnomAD v4.1: 224 of 1,614,188 alleles (0.014%); highest among the groups gnomAD compares: Middle Eastern, 0.69%; 1 homozygote.

Submissions (10):

PreventionGenetics, part of Exact Sciences
Classification: Uncertain significance for LRP2-related condition. Last evaluated: 2026-07-07. Review status: criteria provided, single submitter. Criteria: ACMG Guidelines, 2015. Collection method: clinical testing. Allele origin: germline.
Comment: The LRP2 c.8132G>A variant is predicted to result in the amino acid substitution p.Arg2711His. To our knowledge, this variant has not been reported in the literature. This variant is reported in 0.033% of alleles in individuals of South Asian descent in gnomAD. At this time, the clinical significance of this variant is uncertain due to the absence of conclusive functional and genetic evidence.

Labcorp Genetics (formerly Invitae), Labcorp
Classification: Likely benign. Last evaluated: 2026-01-21. Review status: criteria provided, single submitter. Criteria: Invitae Variant Classification Sherloc (09022015). Collection method: clinical testing. Allele origin: germline.

Blueprint Genetics
Classification: Likely benign. Last evaluated: 2024-10-17. Review status: criteria provided, single submitter. Criteria: ACMG Guidelines, 2015. Collection method: clinical testing. Allele origin: germline.

Genome-Nilou Lab
Classification: Uncertain significance for Donnai-Barrow syndrome. Last evaluated: 2021-07-15. Review status: criteria provided, single submitter. Criteria: ACMG Guidelines, 2015. Collection method: clinical testing. Allele origin: germline. Affected: no.

New York Genome Center
Classification: Uncertain significance for Donnai-Barrow syndrome. Last evaluated: 2021-06-11. Review status: criteria provided, single submitter. Criteria: NYGC Assertion Criteria 2020. Collection method: clinical testing. Allele origin: inherited. Observed: 1 heterozygote. Study: CSER-NYCKidSeq.

Baylor Genetics
Classification: Uncertain significance for Donnai-Barrow syndrome. Last evaluated: 2020-05-05. Review status: criteria provided, single submitter. Criteria: ACMG Guidelines, 2015. Collection method: clinical testing. Allele origin: unknown. Affected: yes.
Comment: This variant was determined to be of uncertain significance according to ACMG Guidelines, 2015 [PMID:25741868].

Fulgent Genetics
Classification: Uncertain significance for Donnai-Barrow syndrome. Last evaluated: 2018-10-31. Review status: criteria provided, single submitter. Criteria: ACMG Guidelines, 2015. Collection method: clinical testing. Allele origin: unknown.

Illumina Laboratory Services, Illumina
Classification: Uncertain significance for Donnai-Barrow syndrome. Last evaluated: 2018-01-12. Review status: criteria provided, single submitter. Criteria: ICSL Variant Classification Criteria 13 December 2019. Collection method: clinical testing. Allele origin: germline.

Genetic Services Laboratory, University of Chicago
Classification: Uncertain significance. Last evaluated: 2014-02-13. Review status: criteria provided, single submitter. Criteria: ACMG Guidelines, 2007. Collection method: clinical testing. Allele origin: germline. Inheritance: Autosomal recessive inheritance.

Centre de Biologie Pathologie Génétique, Centre Hospitalier Universitaire de Lille
Classification: Likely benign for Intellectual disability. Last evaluated: 2019-01-01. Review status: no assertion criteria provided. Collection method: clinical testing. Allele origin: inherited. Affected: yes. Not counted in ClinVar's aggregate classification.

NM_004525.3(LRP2):c.8132G>A (p.Arg2711His)

Gene: LRP2 (LDL receptor related protein 2; minus strand). Cytogenetic location: 2q31.1.
Variant type: single nucleotide variant.
Coding change: c.8132G>A on transcript NM_004525.3 (MANE Select); coding-DNA position 8132, G replaced by A.
Protein change: p.Arg2711His; replaces arginine 2711 with histidine.
Molecular consequence: missense variant.
Genome position (GRCh38, 1-based): chr2:169,202,833, C>T on the plus strand (G>A on the coding strand, the complement: LRP2 is on the minus strand). VCF-style: chr2-169202833-C-T. GRCh37 (hg19) VCF-style: chr2-170059343-C-T.
Other names: short protein forms R2711H.
Identifiers: ClinVar variation 129541 (VCV000129541.24), dbSNP rs190037522, ClinGen allele CA231259.
Genomic context (GRCh38, chr2:169,202,833, plus strand): 5'-TCATCACTGCCATCCCCACAGTCGTTGTCATTATCACACTTCCACTCTTCCGAGATGCAG[C>T]GCCCATTGGAGCAGGTGAAGGAAGATGCACCACATCGTTCACCATTGTCCACAATGCAGT-3'
Protein context (NP_004516.2, residues 2701-2721): GASSFTCSNG[Arg2711His]CISEEWKCDN